The following is an entry in ClinVar:

ClinVar aggregate classification (germline): Likely pathogenic. Review status: criteria provided, single submitter (1 of 4 stars). 2 submissions from 2 submitters: Likely pathogenic (1). 1 of the submissions does not count toward it. Last evaluated 2025-09-30.

Conditions:
Atypical hemolytic-uremic syndrome. Identifiers: Orphanet 2134, MedGen C2931788, MONDO:0016244.
Atypical hemolytic-uremic syndrome with C3 anomaly. Also called: AHUS, SUSCEPTIBILITY TO, 5. Identifiers: Orphanet 2134, MedGen C2752037, MONDO:0013043, OMIM 612925.

Submissions (2):

Genomenon, Inc
Classification: Likely pathogenic for Atypical hemolytic-uremic syndrome. Last evaluated: 2025-09-30. Review status: criteria provided, single submitter. Criteria: Genomenon Sequence Variant Interpretation Standards. Collection method: curation. Allele origin: germline. Affected: yes.
Comment: C3 p.Ala1094Val (c.3281C>T) is a missense variant that changes the amino acid at residue 1094 from Alanine to Valine. This variant has been observed in at least one proband affected with atypical hemolytic-uremic syndrome (PMID:18796626). At least one functional study has demonstrated a substantial alteration in protein function relative to the wild-type (PMID:18796626). It is absent or not present at a significant frequency in gnomAD. In conclusion, we classify C3 p.Ala1094Val (c.3281C>T) as a likely pathogenic variant.

OMIM
Classification: risk factor for HEMOLYTIC UREMIC SYNDROME, ATYPICAL, SUSCEPTIBILITY TO, 5. Last evaluated: 2008-12-15. Review status: no assertion criteria provided. Collection method: literature only. Allele origin: germline. Not counted in ClinVar's aggregate classification.

Literature cited by the submitters: PubMed 18796626 (cited by Genomenon, Inc and OMIM).

NM_000064.4(C3):c.3281C>T (p.Ala1094Val)

Gene: C3 (complement C3; minus strand). Cytogenetic location: 19p13.3.
Variant type: single nucleotide variant.
Coding change: c.3281C>T on transcript NM_000064.4 (MANE Select); coding-DNA position 3281, C replaced by T.
Protein change: p.Ala1094Val; replaces alanine 1094 with valine.
Molecular consequence: missense variant.
Genome position (GRCh38, 1-based): chr19:6,693,033, G>A on the plus strand (C>T on the coding strand, the complement: C3 is on the minus strand). VCF-style: chr19-6693033-G-A. GRCh37 (hg19) VCF-style: chr19-6693044-G-A.
Other names: C3, ALA1072VAL; A1072V; c.3281C>T, p.Ala1094Val (LRG_27t1); short protein forms A1094V.
Identifiers: ClinVar variation 17061 (VCV000017061.2), dbSNP rs121909584, ClinGen allele CA257693.